The following is an entry in ClinVar:

ClinVar aggregate classification (germline): Uncertain significance. Review status: criteria provided, multiple submitters, no conflicts (2 of 4 stars). 3 submissions from 3 submitters: Uncertain significance (3). Last evaluated 2024-06-09.

Conditions:
Arrhythmogenic right ventricular cardiomyopathy (ARVD). Also called: Arrhythmogenic cardiomyopathy; Cardiomyopathy, ARVC; Arrhythmogenic right ventricular dysplasia; Arrhythmogenic Right Ventricular Cardiomyopathy (ARVC). Identifiers: Orphanet 247, MedGen C0349788, MeSH D019571, MONDO:0016587. Disease mechanism: loss of function. Inheritance: Various modes of inheritance.
Cardiomyopathy (CMYO). Also called: Cardiomyopathies. Identifiers: Orphanet 167848, MedGen C0878544, MONDO:0004994, HP:0001638. Inheritance: Various modes of inheritance.
Arrhythmogenic right ventricular dysplasia 9 (ARVD9). Also called: Arrhythmogenic Right Ventricular Dysplasia/Cardiomyopathy 9; ARRHYTHMOGENIC RIGHT VENTRICULAR DYSPLASIA, FAMILIAL, 9. Identifiers: MedGen C1836906, MONDO:0012180, OMIM 609040.

Allele frequency attached by ClinVar (database versions not stated): gnomAD exomes below 0.00001; gnomAD 0.00001; TOPMed 0.00001.
gnomAD v4.1: 3 of 1,459,704 alleles (0.00021%); highest among the groups gnomAD compares: African/African-American, 0.0015%; no homozygotes.

Submissions (3):

All of Us Research Program, National Institutes of Health
Classification: Uncertain significance for Arrhythmogenic right ventricular cardiomyopathy. Last evaluated: 2024-06-09. Review status: criteria provided, single submitter. Criteria: ACMG Guidelines, 2015. Collection method: clinical testing. Allele origin: germline. Inheritance: Autosomal dominant inheritance. Observed: 1 variant allele, 1 heterozygote.
Comment: This missense variant replaces alanine with valine at codon 3 of the PKP2 protein. Computational prediction suggests that this variant may not impact protein structure and function (internally defined REVEL score threshold <= 0.5, PMID: 27666373). Splice site prediction tools suggest that this variant may not impact RNA splicing. To our knowledge, functional studies have not been performed for this variant. This variant has not been reported in individuals affected with cardiovascular disorders in the literature. This variant has not been identified in the general population by the Genome Aggregation Database (gnomAD). The available evidence is insufficient to determine the role of this variant in disease conclusively. Therefore, this variant is classified as a Variant of Uncertain Significance.

This study involves interpretation of variants in research participants for the purpose of population health screening. Participant phenotype was not available at the time of variant classification. Additional details can be found in publication PMID: 35346344, PMCID: PMC8962531

Color Diagnostics, LLC DBA Color Health
Classification: Uncertain significance for Cardiomyopathy. Last evaluated: 2024-03-06. Review status: criteria provided, single submitter. Criteria: ACMG Guidelines, 2015. Collection method: clinical testing. Allele origin: germline.
Comment: This missense variant replaces alanine with valine at codon 3 of the PKP2 protein. Computational prediction suggests that this variant may not impact protein structure and function (internally defined REVEL score threshold <= 0.5, PMID: 27666373). Splice site prediction tools suggest that this variant may not impact RNA splicing. To our knowledge, functional studies have not been performed for this variant. This variant has not been reported in individuals affected with cardiovascular disorders in the literature. This variant has not been identified in the general population by the Genome Aggregation Database (gnomAD). The available evidence is insufficient to determine the role of this variant in disease conclusively. Therefore, this variant is classified as a Variant of Uncertain Significance.

Labcorp Genetics (formerly Invitae), Labcorp
Classification: Uncertain significance for Arrhythmogenic right ventricular dysplasia 9. Last evaluated: 2020-03-05. Review status: criteria provided, single submitter. Criteria: Invitae Variant Classification Sherloc (09022015). Collection method: clinical testing. Allele origin: germline.
Comment: This sequence change replaces alanine with valine at codon 3 of the PKP2 protein (p.Ala3Val). The alanine residue is weakly conserved and there is a small physicochemical difference between alanine and valine. In summary, the available evidence is currently insufficient to determine the role of this variant in disease. Therefore, it has been classified as a Variant of Uncertain Significance. Algorithms developed to predict the effect of missense changes on protein structure and function output the following: SIFT: "Tolerated"; PolyPhen-2: "Benign"; Align-GVGD: "Class C0". The valine amino acid residue is found in multiple mammalian species, suggesting that this missense change does not adversely affect protein function. These predictions have not been confirmed by published functional studies and their clinical significance is uncertain. This variant has not been reported in the literature in individuals with PKP2-related conditions. The frequency data for this variant in the population databases is considered unreliable, as metrics indicate insufficient coverage at this position in the ExAC database.

NM_001005242.3(PKP2):c.8C>T (p.Ala3Val)

Gene: PKP2 (plakophilin 2; minus strand). Cytogenetic location: 12p11.21.
Variant type: single nucleotide variant.
Coding change: c.8C>T on transcript NM_001005242.3 (MANE Select); coding-DNA position 8, C replaced by T.
Protein change: p.Ala3Val; replaces alanine 3 with valine.
Molecular consequence: missense variant.
Genome position (GRCh38, 1-based): chr12:32,896,724, G>A on the plus strand (C>T on the coding strand, the complement: PKP2 is on the minus strand). VCF-style: chr12-32896724-G-A. GRCh37 (hg19) VCF-style: chr12-33049658-G-A.
Other names: c.8C>T, p.Ala3Val (NM_004572.4); short protein forms A3V.
Identifiers: ClinVar variation 919067 (VCV000919067.13), dbSNP rs1033569962, ClinGen allele CA235280882.
Genomic context (GRCh38, chr12:32,896,724, plus strand): 5'-CCCAGGATCTGCTGGCCCAGGACGGTCCGGATGTAGCCGTACTCAGCTGGGGCGCCGGGG[G>A]CTGCCATGGGGCCGGTGGGGGCGACCGAGCTGCTCGCCTGCCTCTGGACTCGCGGGCGAA-3'
Protein context (NP_001005242.2, residues 1-13): MA[Ala3Val]PGAPAEYGYI